The following is an entry in ClinVar:

NM_000059.4(BRCA2):c.4570T>G (p.Phe1524Val)

Gene: BRCA2 (BRCA2 DNA repair associated; plus strand). Cytogenetic location: 13q13.1.
Variant type: single nucleotide variant.
Coding change: c.4570T>G on transcript NM_000059.4 (MANE Select); coding-DNA position 4570, T replaced by G.
Protein change: p.Phe1524Val; replaces phenylalanine 1524 with valine.
Molecular consequence: missense variant.
Genome position (GRCh38, 1-based): chr13:32,338,925, T>G. VCF-style: chr13-32338925-T-G. GRCh37 (hg19) VCF-style: chr13-32913062-T-G.
Other names: p.F1524V:TTT>GTT; 4798T>G; short protein forms F1524V.
Identifiers: ClinVar variation 51676 (VCV000051676.74), dbSNP rs56386506, ClinGen allele CA020474.
Genomic context (GRCh38, chr13:32,338,925, plus strand): 5'-GTGACCTTCCAGGGACAACCCGAACGTGATGAAAAGATCAAAGAACCTACTCTATTGGGT[T>G]TTCATACAGCTAGCGGGAAAAAAGTTAAAATTGCAAAGGAATCTTTGGACAAAGTGAAAA-3'
Protein context (NP_000050.3, residues 1514-1534): EKIKEPTLLG[Phe1524Val]HTASGKKVKI

ClinVar aggregate classification (germline): Benign. Review status: reviewed by expert panel (3 of 4 stars). 20 submissions from 20 submitters: Benign (1). 19 of the submissions do not count toward it. Last evaluated 2015-08-10.

Conditions:
BRCA2-related disorder. Also called: BRCA2-related condition; BRCA2-related disorders. Identifiers: MedGen CN239275.
Breast and/or ovarian cancer. Identifiers: MedGen CN221562.
Hereditary cancer-predisposing syndrome. Also called: Hereditary Cancer Syndrome; Tumor predisposition; Neoplastic Syndromes, Hereditary; Hereditary neoplastic syndrome. Identifiers: Orphanet 140162, MedGen C0027672, MeSH D009386, MONDO:0015356.
Hereditary breast ovarian cancer syndrome. Also called: Breast and ovarian cancer; BRCA1- and BRCA2-Associated Hereditary Breast and Ovarian Cancer; Hereditary breast and ovarian cancer; Hereditary breast and ovarian cancer syndrome (HBOC); Hereditary breast and ovarian cancer syndrome; Hereditary breast and/or ovarian cancer syndrome. Identifiers: Orphanet 145, MedGen C0677776, MeSH D061325, MONDO:0003582. Disease mechanism: loss of function.
Breast-ovarian cancer, familial, susceptibility to, 2 (BROVCA2). Also called: BRCA2 Hereditary Breast and Ovarian Cancer. Identifiers: Orphanet 145, MedGen C2675520, MONDO:0012933, OMIM 612555. Disease mechanism: loss of function.

Allele frequency attached by ClinVar (database versions not stated): ExAC 0.00002; gnomAD exomes 0.00002; gnomAD 0.00003 and 0.00004; TOPMed 0.00003; ESP Exome Variant Server 0.00008.
gnomAD v4.1: 42 of 1,613,784 alleles (0.0026%); highest among the groups gnomAD compares: Non-Finnish European, 0.0036%; no homozygotes.

Submissions (20):

Evidence-based Network for the Interpretation of Germline Mutant Alleles (ENIGMA)
Classification: Benign for Breast-ovarian cancer, familial 2. Last evaluated: 2015-08-10. Review status: reviewed by expert panel. Criteria: ENIGMA BRCA1/2 Classification Criteria (2015). Collection method: curation. Allele origin: germline.
Comment: IARC class based on posterior probability from multifactorial likelihood analysis, thresholds for class as per Plon et al. 2008 (PMID: 18951446). Class 1 based on posterior probability = 0.0000208

Labcorp Genetics (formerly Invitae), Labcorp
Classification: Benign for Hereditary breast ovarian cancer syndrome. Last evaluated: 2026-02-03. Review status: criteria provided, single submitter. Criteria: Invitae Variant Classification Sherloc (09022015). Collection method: clinical testing. Allele origin: germline. Not counted in ClinVar's aggregate classification.

CeGaT Center for Human Genetics Tuebingen
Classification: Likely benign. Last evaluated: 2025-09-01. Review status: criteria provided, single submitter. Criteria: CeGaT Center For Human Genetics Tuebingen Variant Classification Criteria Version 2. Collection method: clinical testing. Allele origin: germline. Affected: yes. Observed: 3 variant alleles. Not counted in ClinVar's aggregate classification.
Comment: BRCA2: BP1, BS3:Supporting

Center for Genomic Medicine, Rigshospitalet, Copenhagen University Hospital
Classification: Benign. Last evaluated: 2025-03-04. Review status: criteria provided, single submitter. Criteria: ACMG Guidelines, 2015. Collection method: clinical testing. Allele origin: germline. Not counted in ClinVar's aggregate classification.

Blueprint Genetics
Classification: Likely benign. Last evaluated: 2024-08-05. Review status: criteria provided, single submitter. Criteria: ACMG Guidelines, 2015. Collection method: clinical testing. Allele origin: germline. Not counted in ClinVar's aggregate classification.

Institute for Clinical Genetics, University Hospital TU Dresden, University Hospital TU Dresden
Classification: Benign. Last evaluated: 2021-11-03. Review status: criteria provided, single submitter. Criteria: ACMG Guidelines, 2015. Collection method: clinical testing. Allele origin: germline. Not counted in ClinVar's aggregate classification.

Sema4
Classification: Likely benign for Hereditary cancer-predisposing syndrome. Last evaluated: 2021-08-03. Review status: criteria provided, single submitter. Criteria: Sema4 Curation Guidelines. Collection method: curation. Allele origin: germline. Not counted in ClinVar's aggregate classification.

Women's Health and Genetics/Laboratory Corporation of America, LabCorp
Classification: Benign. Last evaluated: 2019-10-25. Review status: criteria provided, single submitter. Criteria: LabCorp Variant Classification Summary - May 2015. Collection method: clinical testing. Allele origin: germline. Not counted in ClinVar's aggregate classification.
Comment: Variant summary: BRCA2 c.4570T>G (p.Phe1524Val) results in a non-conservative amino acid change in the encoded protein sequence. Five of five in-silico tools predict a damaging effect of the variant on protein function. The variant allele was found at a frequency of 2.4e-05 in 250548 control chromosomes. The available data on variant occurrences in the general population are insufficient to allow any conclusion about variant significance. c.4570T>G has been reported in the literature in individuals affected with Hereditary Breast and Ovarian Cancer (Caux-Moncoutier 2009, Haffty 2009, Meyer 2003, Meyer 2012). These reports do not provide unequivocal conclusions about association of the variant with Hereditary Breast and Ovarian Cancer. A review of a multifactorial probability based model (Lindor 2012) that included a statistical weighting of segregation analysis, co-occurrence in trans, pathological profiles, personal and family history of cancer showed that, for this variant, odds in favor of causality was 1.02x10-3 and posterior probability of being deleterious was 2.08x10-5. Authors classify the variant as IARC Class 1 (Least Likely to be pathogenic) variant. Five ClinVar submissions including an expert panel (evaluation after 2014) cite the variant twice as benign and three times as likely benign. Based on the evidence outlined above, the variant was classified as benign.

Mendelics
Classification: Benign for Breast-ovarian cancer, familial, susceptibility to, 2. Last evaluated: 2019-05-28. Review status: criteria provided, single submitter. Criteria: Mendelics Assertion Criteria 2017. Collection method: clinical testing. Allele origin: unknown. Not counted in ClinVar's aggregate classification.

GeneDx
Classification: Likely benign. Last evaluated: 2017-11-14. Review status: criteria provided, single submitter. Criteria: GeneDx Variant Classification (06012015). Collection method: clinical testing. Allele origin: germline. Affected: yes. Not counted in ClinVar's aggregate classification.
Comment: This variant is considered likely benign or benign based on one or more of the following criteria: it is a conservative change, it occurs at a poorly conserved position in the protein, it is predicted to be benign by multiple in silico algorithms, and/or has population frequency not consistent with disease.

Color Diagnostics, LLC DBA Color Health
Classification: Likely benign for Hereditary cancer-predisposing syndrome. Last evaluated: 2015-04-28. Review status: criteria provided, single submitter. Criteria: ACMG Guidelines, 2015. Collection method: clinical testing. Allele origin: germline. Not counted in ClinVar's aggregate classification.

Ambry Genetics
Classification: Benign for Hereditary cancer-predisposing syndrome. Last evaluated: 2014-11-19. Review status: criteria provided, single submitter. Criteria: Ambry Variant Classification Scheme 2023. Collection method: clinical testing. Allele origin: germline. Not counted in ClinVar's aggregate classification.

PreventionGenetics, part of Exact Sciences
Classification: Benign for BRCA2-related condition. Last evaluated: 2022-02-11. Review status: no assertion criteria provided. Collection method: clinical testing. Allele origin: germline. Not counted in ClinVar's aggregate classification.
Comment: This variant is classified as benign based on ACMG/AMP sequence variant interpretation guidelines (Richards et al. 2015 PMID: 25741868, with internal and published modifications).

Counsyl
Classification: Benign for Breast-ovarian cancer, familial, susceptibility to, 2. Last evaluated: 2016-03-17. Review status: no assertion criteria provided. Collection method: clinical testing. Allele origin: unknown. Not counted in ClinVar's aggregate classification.

Sharing Clinical Reports Project (SCRP)
Classification: Benign for Breast-ovarian cancer, familial 2. Last evaluated: 2012-05-01. Review status: no assertion criteria provided. Collection method: clinical testing. Allele origin: germline. Not counted in ClinVar's aggregate classification.

Breast Cancer Information Core (BIC) (BRCA2)
Classification: Uncertain significance for Breast-ovarian cancer, familial 2. Last evaluated: 2004-02-20. Review status: no assertion criteria provided. Collection method: clinical testing. Allele origin: germline. Affected: yes. Observed: 10 variant alleles. Not counted in ClinVar's aggregate classification.

Foulkes Cancer Genetics LDI, Lady Davis Institute for Medical Research
Classification: Uncertain significance for Breast and/or ovarian cancer. Last evaluated: 2003-02-07. Review status: no assertion criteria provided. Collection method: clinical testing. Allele origin: germline. Study: The Canadian Open Genetics Repository (COGR). Not counted in ClinVar's aggregate classification.

Clinical Genetics DNA and cytogenetics Diagnostics Lab, Erasmus MC, Erasmus Medical Center
Classification: Benign. Review status: no assertion criteria provided. Collection method: clinical testing. Allele origin: germline. Affected: yes. Study: VKGL Data-share Consensus. Not counted in ClinVar's aggregate classification.

Clinical Genetics Laboratory, Department of Pathology, Netherlands Cancer Institute
Classification: Benign. Review status: no assertion criteria provided. Collection method: clinical testing. Allele origin: germline. Affected: yes. Study: VKGL Data-share Consensus. Not counted in ClinVar's aggregate classification.

Joint Genome Diagnostic Labs from Nijmegen and Maastricht, Radboudumc and MUMC+
Classification: Benign. Review status: no assertion criteria provided. Collection method: clinical testing. Allele origin: germline. Affected: yes. Study: VKGL Data-share Consensus. Not counted in ClinVar's aggregate classification.

Literature cited by the submitters: PubMed 21990134 (cited by 3 submitters); PubMed 17924331 (cited by Women's Health and Genetics/Laboratory Corporation of America, LabCorp and Counsyl); PubMed 24323938 (cited by Women's Health and Genetics/Laboratory Corporation of America, LabCorp); PubMed 19471317 (cited by Women's Health and Genetics/Laboratory Corporation of America, LabCorp and Counsyl); PubMed 22666503 (cited by Women's Health and Genetics/Laboratory Corporation of America, LabCorp and Counsyl); PubMed 19491284 (cited by Women's Health and Genetics/Laboratory Corporation of America, LabCorp and Counsyl); PubMed 12938098 (cited by Women's Health and Genetics/Laboratory Corporation of America, LabCorp and Counsyl); PubMed 24817641 (cited by Women's Health and Genetics/Laboratory Corporation of America, LabCorp); PubMed 25111659 (cited by Women's Health and Genetics/Laboratory Corporation of America, LabCorp); PubMed 25452441 (cited by Women's Health and Genetics/Laboratory Corporation of America, LabCorp); PubMed 26689913 (cited by Women's Health and Genetics/Laboratory Corporation of America, LabCorp); PubMed 26992456 (cited by Women's Health and Genetics/Laboratory Corporation of America, LabCorp); PubMed 26580448 (cited by Women's Health and Genetics/Laboratory Corporation of America, LabCorp); PubMed 29580235 (cited by Women's Health and Genetics/Laboratory Corporation of America, LabCorp).